The following is an entry in ClinVar:

ClinVar aggregate classification (germline): Uncertain significance. Review status: criteria provided, multiple submitters, no conflicts (2 of 4 stars). 2 submissions from 2 submitters: Uncertain significance (2). Last evaluated 2024-03-06.

Allele frequency attached by ClinVar (database versions not stated): gnomAD exomes below 0.00001; TOPMed below 0.00001; gnomAD 0.00001.
gnomAD v4.1: 7 of 1,614,012 alleles (0.00043%); highest among the groups gnomAD compares: African/African-American, 0.0013%; no homozygotes.

Submissions (2):

GeneDx
Classification: Uncertain significance. Last evaluated: 2024-03-06. Review status: criteria provided, single submitter. Criteria: GeneDx Variant Classification Process June 2021. Collection method: clinical testing. Allele origin: germline. Affected: yes.
Comment: In silico analysis supports that this missense variant has a deleterious effect on protein structure/function; Has not been previously published as pathogenic or benign to our knowledge

Women's Health and Genetics/Laboratory Corporation of America, LabCorp
Classification: Uncertain significance. Last evaluated: 2023-06-02. Review status: criteria provided, single submitter. Criteria: LabCorp Variant Classification Summary - May 2015. Collection method: clinical testing. Allele origin: germline.
Comment: Variant summary: THRB c.1013G>A (p.Arg338Gln) results in a conservative amino acid change located in the Nuclear hormone receptor, ligand-binding domain (IPR000536) of the encoded protein sequence. Three of five in-silico tools predict a damaging effect of the variant on protein function. The variant allele was found at a frequency of 1.3e-05 in 150898 control chromosomes (gnomAD v3.1.2). The available data on variant occurrences in the general population are insufficient to allow any conclusion about variant significance. c.1013G>A has been observed in at least one individual who was referred to our lab for genetic testing with the ICD-10 diagnostic code: E05.90 (Thyrotoxicosis). These data do not allow any conclusion about variant significance. To our knowledge, no experimental evidence demonstrating an impact on protein function has been reported. Other missense variants affecting Arg338 have been previously classified as pathogenic (e.g. p.Arg338Trp [ClinVar:12558, HGMD:CM930706]; p.Arg338Leu [HGMD: CM941316]), indicating that this residue maybe of clinical significance. No clinical diagnostic laboratories have submitted clinical-significance assessments for this variant to ClinVar after 2014. Based on the evidence outlined above, the variant was classified as VUS-possibly pathogenic.

NM_001354712.2(THRB):c.1013G>A (p.Arg338Gln)

Gene: THRB (thyroid hormone receptor beta; minus strand). Cytogenetic location: 3p24.2.
Variant type: single nucleotide variant.
Coding change: c.1013G>A on transcript NM_001354712.2 (MANE Select); coding-DNA position 1013, G replaced by A.
Protein change: p.Arg338Gln; replaces arginine 338 with glutamine.
Molecular consequence: missense variant. On other transcripts: intron variant (1).
Genome position (GRCh38, 1-based): chr3:24,127,630, C>T on the plus strand (G>A on the coding strand, the complement: THRB is on the minus strand). VCF-style: chr3-24127630-C-T. GRCh37 (hg19) VCF-style: chr3-24169121-C-T.
Other names: c.1013G>A, p.Arg338Gln (NM_000461.5, NM_001128176.3, NM_001128177.2 and 11 more transcripts); c.920G>A, p.Arg307Gln (NM_001354714.2, NM_001354715.2); c.973+40G>A (NM_001374827.1); short protein forms R307Q, R338Q.
Identifiers: ClinVar variation 2573413 (VCV002573413.2), dbSNP rs1276992783, ClinGen allele CA351888757.